The following is an entry in ClinVar:

NM_002303.6(LEPR):c.93G>A (p.Trp31Ter)

Gene: LEPR (leptin receptor; plus strand). Cytogenetic location: 1p31.3.
Variant type: single nucleotide variant.
Coding change: c.93G>A on transcript NM_002303.6 (MANE Select); coding-DNA position 93, G replaced by A.
Protein change: p.Trp31Ter; replaces tryptophan 31 with a stop codon.
Molecular consequence: nonsense.
Genome position (GRCh38, 1-based): chr1:65,570,525, G>A. VCF-style: chr1-65570525-G-A. GRCh37 (hg19) VCF-style: chr1-66036208-G-A.
Other names: c.93G>A, p.Trp31Ter (NM_001003679.3, NM_001003680.3, NM_001198687.2 and 2 more transcripts); short protein forms W31*.
Identifiers: ClinVar variation 421140 (VCV000421140.14), dbSNP rs945135468, ClinGen allele CA16617181.
Genomic context (GRCh38, chr1:65,570,525, plus strand): 5'-CCTAACAGAATTTATTTATGTGATAACTGCGTTTAACTTGTCATATCCAATTACTCCTTG[G>A]AGATTTAAGTTGTCTTGCATGCCACCAAATTCAACCTATGACTACTTCCTTTTGCCTGCT-3'

ClinVar aggregate classification (germline): Pathogenic. Review status: criteria provided, multiple submitters, no conflicts (2 of 4 stars). 4 submissions from 4 submitters: Pathogenic (3). 1 of the submissions does not count toward it. Last evaluated 2024-08-21.

Conditions:
LEPR-related disorder. Also called: LEPR-related disorders; LEPR-related condition.

Allele frequency attached by ClinVar (database versions not stated): gnomAD exomes 0.00001; gnomAD 0.00003; TOPMed 0.00008.
gnomAD v4.1: 8 of 1,613,718 alleles (0.0005%); highest among the groups gnomAD compares: Admixed American, 0.012%; no homozygotes.

Submissions (4):

GeneDx
Classification: Pathogenic. Last evaluated: 2024-08-21. Review status: criteria provided, single submitter. Criteria: GeneDx Variant Classification Process June 2021. Collection method: clinical testing. Allele origin: germline. Affected: yes.
Comment: Nonsense variant predicted to result in protein truncation or nonsense mediated decay in a gene for which loss of function is a known mechanism of disease; Not observed at significant frequency in large population cohorts (gnomAD); This variant is associated with the following publications: (PMID: 31589614, 28432296, 27397505, 30560226, 17229951)

Labcorp Genetics (formerly Invitae), Labcorp
Classification: Pathogenic. Last evaluated: 2022-08-22. Review status: criteria provided, single submitter. Criteria: Invitae Variant Classification Sherloc (09022015). Collection method: clinical testing. Allele origin: germline.
Comment: For these reasons, this variant has been classified as Pathogenic. ClinVar contains an entry for this variant (Variation ID: 421140). This premature translational stop signal has been observed in individual(s) with severe early-onset obesity (PMID: 17229951). This variant is not present in population databases (gnomAD no frequency). This sequence change creates a premature translational stop signal (p.Trp31*) in the LEPR gene. It is expected to result in an absent or disrupted protein product. Loss-of-function variants in LEPR are known to be pathogenic (PMID: 23616257, 24319006, 25751111).

Eurofins Ntd Llc (ga)
Classification: Pathogenic. Last evaluated: 2018-03-20. Review status: criteria provided, single submitter. Criteria: EGL ClinVar v180209 classification definitions. Collection method: clinical testing. Allele origin: germline.

PreventionGenetics, part of Exact Sciences
Classification: Pathogenic for LEPR-related condition. Last evaluated: 2024-05-01. Review status: no assertion criteria provided. Collection method: clinical testing. Allele origin: germline. Not counted in ClinVar's aggregate classification.
Comment: The LEPR c.93G>A variant is predicted to result in premature protein termination (p.Trp31*). This variant has been reported in the homozygous state to be causative for severe early-onset obesity (Farooqi et al. 2007. PubMed ID: 17229951). This variant is not present in a large population database, indicating this variant is rare. Nonsense variants in LEPR are expected to be pathogenic. This variant is interpreted as pathogenic.

Literature cited by the submitters: PubMed 17229951 (cited by Labcorp Genetics (formerly Invitae), Labcorp and Eurofins Ntd Llc (ga)); PubMed 23616257 (cited by Labcorp Genetics (formerly Invitae), Labcorp); PubMed 24319006 (cited by Labcorp Genetics (formerly Invitae), Labcorp); PubMed 25751111 (cited by Labcorp Genetics (formerly Invitae), Labcorp); PubMed 28432296 (cited by Eurofins Ntd Llc (ga)).